The following is an entry in ClinVar:

NM_152558.5(IQCE):c.1278C>T (p.Ala426=)

Gene: IQCE (IQ motif containing E; plus strand). Cytogenetic location: 7p22.3.
Variant type: single nucleotide variant.
Coding change: c.1278C>T on transcript NM_152558.5 (MANE Select); coding-DNA position 1278, C replaced by T.
Protein change: p.Ala426=; no amino-acid change (alanine 426 retained).
Molecular consequence: synonymous variant.
Genome position (GRCh38, 1-based): chr7:2,593,055, C>T. VCF-style: chr7-2593055-C-T. GRCh37 (hg19) VCF-style: chr7-2632689-C-T.
Other names: c.1278C>T, p.Ala426= (NM_001287499.2); c.1230C>T, p.Ala410= (NM_001287500.2, NM_001410865.1); c.1083C>T, p.Ala361= (NM_001287501.2, NM_001287502.2).
Identifiers: ClinVar variation 4980350 (VCV004980350.1).

ClinVar aggregate classification (germline): Likely benign (1 of 4 stars; one submission).

Conditions:
IQCE-related disorder. Also called: IQCE-related condition.

gnomAD v4.1: 97 of 1,610,854 alleles (0.006%); highest among the groups gnomAD compares: African/African-American, 0.061%; no homozygotes.

Submission:

PreventionGenetics, part of Exact Sciences
Classification: Likely benign for IQCE-related condition. Last evaluated: 2024-10-16. Review status: criteria provided, single submitter. Criteria: ACMG Guidelines, 2015. Collection method: clinical testing. Allele origin: germline.
Comment: This variant is classified as likely benign based on ACMG/AMP sequence variant interpretation guidelines (Richards et al. 2015 PMID: 25741868, with internal and published modifications).